The following is an entry in ClinVar:

ClinVar aggregate classification (germline): Uncertain significance (1 of 4 stars; one submission).

Conditions:
Hereditary cancer-predisposing syndrome. Also called: Neoplastic Syndromes, Hereditary; Tumor predisposition; Hereditary neoplastic syndrome; Hereditary Cancer Syndrome. Identifiers: Orphanet 140162, MedGen C0027672, MeSH D009386, MONDO:0015356.

Allele frequency attached by ClinVar (database versions not stated): gnomAD exomes below 0.00001.
gnomAD v4.1: 2 of 1,614,174 alleles (0.00012%); no homozygotes.

Submission:

Ambry Genetics
Classification: Uncertain significance for Hereditary cancer-predisposing syndrome. Last evaluated: 2023-11-27. Review status: criteria provided, single submitter. Criteria: Ambry Variant Classification Scheme 2023. Collection method: clinical testing. Allele origin: germline.
Comment: The p.P24S variant (also known as c.70C>T), located in coding exon 2 of the SDHAF2 gene, results from a C to T substitution at nucleotide position 70. The proline at codon 24 is replaced by serine, an amino acid with similar properties. This amino acid position is conserved. In addition, the in silico prediction for this alteration is inconclusive. Since supporting evidence is limited at this time, the clinical significance of this alteration remains unclear.

NM_017841.4(SDHAF2):c.70C>T (p.Pro24Ser)

Gene: SDHAF2 (succinate dehydrogenase complex assembly factor 2; plus strand). Cytogenetic location: 11q12.2.
Variant type: single nucleotide variant.
Coding change: c.70C>T on transcript NM_017841.4 (MANE Select); coding-DNA position 70, C replaced by T.
Protein change: p.Pro24Ser; replaces proline 24 with serine.
Molecular consequence: missense variant.
Genome position (GRCh38, 1-based): chr11:61,437,658, C>T. VCF-style: chr11-61437658-C-T. GRCh37 (hg19) VCF-style: chr11-61205130-C-T.
Other names: short protein forms P24S.
Identifiers: ClinVar variation 3227061 (VCV003227061.1), dbSNP rs2540124046, ClinGen allele CA380682890.
Genomic context (GRCh38, chr11:61,437,658, plus strand): 5'-AAGATGTTTGTGGTTTGTTCATTTCAGATGCTTGCTCTGTCAAGGCACAGCCTATTGTCT[C>T]CTTTGCTCAGTGTGACATCATTCAGACGCTTCTACAGAGGTGACAGCCCAACAGATTCCC-3'
Protein context (NP_060311.1, residues 14-34): LALSRHSLLS[Pro24Ser]LLSVTSFRRF